The following is an entry in ClinVar:

ClinVar aggregate classification (germline): Uncertain significance. Review status: criteria provided, multiple submitters, no conflicts (2 of 4 stars). 3 submissions from 3 submitters: Uncertain significance (3). Last evaluated 2024-05-10.

Conditions:
Mitochondrial complex IV deficiency, nuclear type 3. Also called: Mitochondrial complex 4 deficiency, nuclear type 3. Identifiers: MedGen C5436682, MONDO:0033635, OMIM 619046.

Allele frequency attached by ClinVar (database versions not stated): ExAC 0.00007; 1000 Genomes Project 30x 0.00016; gnomAD 0.00017; gnomAD exomes 0.00003 and 0.00006; TOPMed 0.00018; 1000 Genomes Project 0.00020.
gnomAD v4.1: 63 of 1,613,832 alleles (0.0039%); highest among the groups gnomAD compares: African/African-American, 0.047%; 1 homozygote.

Submissions (4):

Fulgent Genetics
Classification: Uncertain significance for Mitochondrial complex IV deficiency, nuclear type 3. Last evaluated: 2024-05-10. Review status: criteria provided, single submitter. Criteria: ACMG Guidelines, 2015. Collection method: clinical testing. Allele origin: germline.

GeneDx
Classification: Uncertain significance. Last evaluated: 2022-09-16. Review status: criteria provided, single submitter. Criteria: GeneDx Variant Classification Process June 2021. Collection method: clinical testing. Allele origin: germline. Affected: yes.
Comment: Has not been previously published as pathogenic or benign to our knowledge; In silico analysis supports that this missense variant does not alter protein structure/function

Labcorp Genetics (formerly Invitae), Labcorp
Classification: Uncertain significance. Last evaluated: 2021-09-24. Review status: criteria provided, single submitter. Criteria: Invitae Variant Classification Sherloc (09022015). Collection method: clinical testing. Allele origin: germline.

Johnston Lab, North Central College
No classification provided (evidence only). Review status: no classification provided. Collection method: in vitro. Allele origin: not applicable. Functional consequence: functionally_normal. Not counted in ClinVar's aggregate classification.
ClinVar note: "not provided" was previously submitted as the classification for the variant. However, the classification appeared to be based only on an observation of functional data so it was converted to no classification on 2025-07-30.

NM_001303.4(COX10):c.1066G>A (p.Val356Met)

Gene: COX10 (cytochrome c oxidase assembly factor heme A:farnesyltransferase COX10; plus strand). Cytogenetic location: 17p12.
Variant type: single nucleotide variant.
Coding change: c.1066G>A on transcript NM_001303.4 (MANE Select); coding-DNA position 1066, G replaced by A.
Protein change: p.Val356Met; replaces valine 356 with methionine.
Molecular consequence: missense variant.
Genome position (GRCh38, 1-based): chr17:14,206,947, G>A. VCF-style: chr17-14206947-G-A. GRCh37 (hg19) VCF-style: chr17-14110264-G-A.
Other names: short protein forms V356M.
Identifiers: ClinVar variation 1301292 (VCV001301292.9), dbSNP rs554973181, ClinGen allele CA8402520.